The following is an entry in ClinVar:

ClinVar aggregate classification (germline): Uncertain significance. Review status: criteria provided, multiple submitters, no conflicts (2 of 4 stars). 2 submissions from 2 submitters: Uncertain significance (2). Last evaluated 2026-06-09.

Conditions:
Cardiovascular phenotype. Identifiers: MedGen CN230736.

Allele frequency attached by ClinVar (database versions not stated): 1000 Genomes Project 30x 0.00016; gnomAD exomes below 0.00001; gnomAD 0.00001; 1000 Genomes Project 0.00020.
gnomAD v4.1: 4 of 1,614,254 alleles (0.00025%); highest among the groups gnomAD compares: East Asian, 0.0045%; no homozygotes.

Submissions (2):

Ambry Genetics
Classification: Uncertain significance for Cardiovascular phenotype. Last evaluated: 2026-06-09. Review status: criteria provided, single submitter. Criteria: Ambry Variant Classification Scheme 2023. Collection method: clinical testing. Allele origin: germline.
Comment: The p.G124D variant (also known as c.371G>A), located in coding exon 4 of the ABCG8 gene, results from a G to A substitution at nucleotide position 371. The glycine at codon 124 is replaced by aspartic acid, an amino acid with similar properties. This amino acid position is conserved. In addition, the in silico prediction for this alteration is inconclusive. Based on the available evidence, the clinical significance of this variant remains unclear.

Labcorp Genetics (formerly Invitae), Labcorp
Classification: Uncertain significance. Last evaluated: 2022-07-08. Review status: criteria provided, single submitter. Criteria: Invitae Variant Classification Sherloc (09022015). Collection method: clinical testing. Allele origin: germline.
Comment: In summary, the available evidence is currently insufficient to determine the role of this variant in disease. Therefore, it has been classified as a Variant of Uncertain Significance. Algorithms developed to predict the effect of missense changes on protein structure and function (SIFT, PolyPhen-2, Align-GVGD) all suggest that this variant is likely to be disruptive. This variant has not been reported in the literature in individuals affected with ABCG8-related conditions. This variant is not present in population databases (gnomAD no frequency). This sequence change replaces glycine, which is neutral and non-polar, with aspartic acid, which is acidic and polar, at codon 124 of the ABCG8 protein (p.Gly124Asp).

NM_022437.3(ABCG8):c.371G>A (p.Gly124Asp)

Gene: ABCG8 (ATP binding cassette subfamily G member 8; plus strand). Cytogenetic location: 2p21.
Variant type: single nucleotide variant.
Coding change: c.371G>A on transcript NM_022437.3 (MANE Select); coding-DNA position 371, G replaced by A.
Protein change: p.Gly124Asp; replaces glycine 124 with aspartic acid.
Molecular consequence: missense variant.
Genome position (GRCh38, 1-based): chr2:43,851,632, G>A. VCF-style: chr2-43851632-G-A. GRCh37 (hg19) VCF-style: chr2-44078771-G-A.
Other names: c.371G>A (NM_022437.2); c.371G>A, p.Gly124Asp (NM_001357321.2); short protein forms G124D.
Identifiers: ClinVar variation 1947129 (VCV001947129.6), dbSNP rs554038965, ClinGen allele CA46440354.
Genomic context (GRCh38, chr2:43,851,632, plus strand): 5'-GTGGCTTTGCAGGTTGTGGGAGAGCCTCCTTGCTAGATGTGATCACTGGCCGAGGTCACG[G>A]CGGCAAGATCAAGTCAGGCCAGATCTGGATCAATGGGCAGCCCAGCTCGCCTCAGCTGGT-3'
Protein context (NP_071882.1, residues 114-134): LLDVITGRGH[Gly124Asp]GKIKSGQIWI